The following is an entry in ClinVar:

ClinVar aggregate classification (germline): Uncertain significance. Review status: criteria provided, multiple submitters, no conflicts (2 of 4 stars). 3 submissions from 3 submitters: Uncertain significance (3). Last evaluated 2025-04-08.

Conditions:
Cardiovascular phenotype. Identifiers: MedGen CN230736.
RASopathy. Also called: Noonan spectrum disorder; rasopathies. Identifiers: Orphanet 536391, MedGen C5555857, MONDO:0021060.

Allele frequency attached by ClinVar (database versions not stated): gnomAD exomes below 0.00001.
gnomAD v4.1: 1 of 1,614,118 alleles (0.000062%); no homozygotes.

Submissions (3):

Molecular Diagnostic Laboratory for Inherited Cardiovascular Disease, Montreal Heart Institute
Classification: Uncertain significance for Cardiovascular phenotype. Last evaluated: 2025-04-08. Review status: criteria provided, single submitter. Criteria: ACMG Guidelines, 2015. Collection method: clinical testing. Allele origin: germline. Affected: yes.
Comment: PM1, PM2, PP2

Ambry Genetics
Classification: Uncertain significance for Cardiovascular phenotype. Last evaluated: 2022-12-06. Review status: criteria provided, single submitter. Criteria: Ambry Variant Classification Scheme 2023. Collection method: clinical testing. Allele origin: germline.
Comment: The p.L251H variant (also known as c.752T>A), located in coding exon 6 of the RAF1 gene, results from a T to A substitution at nucleotide position 752. The leucine at codon 251 is replaced by histidine, an amino acid with similar properties. This amino acid position is conserved. In addition, this alteration is predicted to be deleterious by in silico analysis. Since supporting evidence is limited at this time, the clinical significance of this alteration remains unclear.

Labcorp Genetics (formerly Invitae), Labcorp
Classification: Uncertain significance for RASopathy. Last evaluated: 2022-10-31. Review status: criteria provided, single submitter. Criteria: Invitae Variant Classification Sherloc (09022015). Collection method: clinical testing. Allele origin: germline.
Comment: This variant is not present in population databases (gnomAD no frequency). This sequence change replaces leucine, which is neutral and non-polar, with histidine, which is basic and polar, at codon 251 of the RAF1 protein (p.Leu251His). This variant has not been reported in the literature in individuals affected with RAF1-related conditions. ClinVar contains an entry for this variant (Variation ID: 520536). Advanced modeling of protein sequence and biophysical properties (such as structural, functional, and spatial information, amino acid conservation, physicochemical variation, residue mobility, and thermodynamic stability) performed at Invitae indicates that this missense variant is expected to disrupt RAF1 protein function. In summary, the available evidence is currently insufficient to determine the role of this variant in disease. Therefore, it has been classified as a Variant of Uncertain Significance.

NM_002880.4(RAF1):c.752T>A (p.Leu251His)

Gene: RAF1 (Raf-1 proto-oncogene, serine/threonine kinase; minus strand). Cytogenetic location: 3p25.2.
Variant type: single nucleotide variant.
Coding change: c.752T>A on transcript NM_002880.4 (MANE Select); coding-DNA position 752, T replaced by A.
Protein change: p.Leu251His; replaces leucine 251 with histidine.
Molecular consequence: missense variant. On other transcripts: non-coding transcript variant (3).
Genome position (GRCh38, 1-based): chr3:12,604,218, A>T on the plus strand (T>A on the coding strand, the complement: RAF1 is on the minus strand). VCF-style: chr3-12604218-A-T. GRCh37 (hg19) VCF-style: chr3-12645717-A-T.
Other names: c.752T>A, p.Leu251His (NM_001354689.3, NM_001354690.3); c.509T>A, p.Leu170His (NM_001354691.3, NM_001354692.3, NM_001354694.3); c.653T>A, p.Leu218His (NM_001354693.3); c.410T>A, p.Leu137His (NM_001354695.3); short protein forms L251H, L170H, L137H, L218H.
Identifiers: ClinVar variation 520536 (VCV000520536.8), dbSNP rs1553613787, ClinGen allele CA351512618.